The following is an entry in ClinVar:

NM_024529.5(CDC73):c.754A>G (p.Ile252Val)

Gene: CDC73 (cell division cycle 73; plus strand). Cytogenetic location: 1q31.2.
Variant type: single nucleotide variant.
Coding change: c.754A>G on transcript NM_024529.5 (MANE Select); coding-DNA position 754, A replaced by G.
Protein change: p.Ile252Val; replaces isoleucine 252 with valine.
Molecular consequence: missense variant.
Genome position (GRCh38, 1-based): chr1:193,147,891, A>G. VCF-style: chr1-193147891-A-G. GRCh37 (hg19) VCF-style: chr1-193117021-A-G.
Other names: short protein forms I252V.
Identifiers: ClinVar variation 950658 (VCV000950658.15), dbSNP rs374290883, ClinGen allele CA1303456.

ClinVar aggregate classification (germline): Uncertain significance. Review status: criteria provided, multiple submitters, no conflicts (2 of 4 stars). 3 submissions from 3 submitters: Uncertain significance (3). Last evaluated 2025-12-17.

Conditions:
Hereditary cancer-predisposing syndrome. Also called: Tumor predisposition; Hereditary neoplastic syndrome; Hereditary Cancer Syndrome; Neoplastic Syndromes, Hereditary. Identifiers: Orphanet 140162, MedGen C0027672, MeSH D009386, MONDO:0015356.
Parathyroid carcinoma (PRTC). Also called: CDC73-Related Parathyroid Carcinoma; Parathyroid gland carcinoma. Identifiers: Orphanet 143, MedGen C0687150, MONDO:0012004, OMIM 608266, HP:0006780.
Hyperparathyroidism 1 (HRPT1). Also called: HYPERPARATHYROIDISM, FAMILIAL ISOLATED PRIMARY. Identifiers: Orphanet 99879, MedGen C1840402, MONDO:0007767, OMIM 145000.

Allele frequency attached by ClinVar (database versions not stated): gnomAD exomes 0.00001; ExAC 0.00001; ESP Exome Variant Server 0.00008.
gnomAD v4.1: 9 of 1,611,612 alleles (0.00056%); highest among the groups gnomAD compares: East Asian, 0.0045%; no homozygotes.

Submissions (3):

Ambry Genetics
Classification: Uncertain significance for Hereditary cancer-predisposing syndrome. Last evaluated: 2025-12-17. Review status: criteria provided, single submitter. Criteria: Ambry Variant Classification Scheme 2023. Collection method: clinical testing. Allele origin: germline.
Comment: The p.I252V variant (also known as c.754A>G), located in coding exon 8 of the CDC73 gene, results from an A to G substitution at nucleotide position 754. The isoleucine at codon 252 is replaced by valine, an amino acid with highly similar properties. This amino acid position is highly conserved in available vertebrate species. In addition, this alteration is predicted to be tolerated by in silico analysis. Since supporting evidence is limited at this time, the clinical significance of this alteration remains unclear.

Labcorp Genetics (formerly Invitae), Labcorp
Classification: Uncertain significance for Parathyroid carcinoma. Last evaluated: 2025-06-16. Review status: criteria provided, single submitter. Criteria: Invitae Variant Classification Sherloc (09022015). Collection method: clinical testing. Allele origin: germline.
Comment: This sequence change replaces isoleucine, which is neutral and non-polar, with valine, which is neutral and non-polar, at codon 252 of the CDC73 protein (p.Ile252Val). This variant is present in population databases (rs374290883, gnomAD 0.002%). This variant has not been reported in the literature in individuals affected with CDC73-related conditions. ClinVar contains an entry for this variant (Variation ID: 950658). Invitae Evidence Modeling of protein sequence and biophysical properties (such as structural, functional, and spatial information, amino acid conservation, physicochemical variation, residue mobility, and thermodynamic stability) indicates that this missense variant is not expected to disrupt CDC73 protein function with a negative predictive value of 80%. In summary, the available evidence is currently insufficient to determine the role of this variant in disease. Therefore, it has been classified as a Variant of Uncertain Significance.

Baylor Genetics
Classification: Uncertain significance for Hyperparathyroidism 1. Last evaluated: 2023-09-09. Review status: criteria provided, single submitter. Criteria: ACMG Guidelines, 2015. Collection method: clinical testing. Allele origin: unknown.